The following is an entry in ClinVar:

ClinVar aggregate classification (germline): Pathogenic (1 of 4 stars; one submission).

Conditions:
Joubert syndrome. Also called: JOUBERT-BOLTSHAUSER SYNDROME; Familial aplasia of the vermis. Identifiers: Orphanet 475, MedGen C5979921, MONDO:0018772.
Meckel-Gruber syndrome. Also called: DYSENCEPHALIA SPLANCHNOCYSTICA; GRUBER SYNDROME; Dysencephalia splachnocystica. Identifiers: Orphanet 564, MedGen C0265215, MONDO:0018921.

Submission:

Labcorp Genetics (formerly Invitae), Labcorp
Classification: Pathogenic for Joubert syndrome; Meckel-Gruber syndrome. Last evaluated: 2023-06-17. Review status: criteria provided, single submitter. Criteria: Invitae Variant Classification Sherloc (09022015). Collection method: clinical testing. Allele origin: germline.
Comment: This sequence change creates a premature translational stop signal (p.Arg1255Glufs*25) in the CC2D2A gene. It is expected to result in an absent or disrupted protein product. Loss-of-function variants in CC2D2A are known to be pathogenic (PMID: 19777577). This variant is not present in population databases (gnomAD no frequency). This variant has not been reported in the literature in individuals affected with CC2D2A-related conditions. For these reasons, this variant has been classified as Pathogenic.

Literature cited by the submitters: PubMed 19777577.

NM_001378615.1(CC2D2A):c.3762del (p.Arg1255fs)

Genes: FBXL5 (F-box and leucine rich repeat protein 5; minus strand), CC2D2A (coiled-coil and C2 domain containing 2A; plus strand). Cytogenetic location: 4p15.32.
Variant type: Deletion.
Coding change: c.3762del on transcript NM_001378615.1 (MANE Select); coding-DNA position 3762, one base deleted (T; older notation c.3762delT).
Protein change: p.Arg1255fs; shifts the reading frame from arginine 1255.
Molecular consequence: frameshift variant.
Genome position (GRCh38, 1-based): chr4:15,574,317, T deleted; the last of 2 consecutive T bases (chr4:15,574,316-15,574,317); deleting either gives the same sequence. VCF-style (leftmost placement, unchanged base first): chr4-15574315-AT-A. GRCh37 (hg19) VCF-style: chr4-15575938-AT-A.
Other names: c.3762del, p.Arg1255fs (NM_001080522.2); c.3615del, p.Arg1206fs (NM_001378617.1); short protein forms R1206fs, R1255fs.
Identifiers: ClinVar variation 2948978 (VCV002948978.3), dbSNP rs2475093512, ClinGen allele CA2740091249.